The following is an entry in ClinVar:

NM_138691.3(TMC1):c.2181T>A (p.Asn727Lys)

Gene: TMC1 (transmembrane channel like 1; plus strand). Cytogenetic location: 9q21.13.
Variant type: single nucleotide variant.
Coding change: c.2181T>A on transcript NM_138691.3 (MANE Select); coding-DNA position 2181, T replaced by A.
Protein change: p.Asn727Lys; replaces asparagine 727 with lysine.
Molecular consequence: missense variant.
Genome position (GRCh38, 1-based): chr9:72,830,502, T>A. VCF-style: chr9-72830502-T-A. GRCh37 (hg19) VCF-style: chr9-75445418-T-A.
Other names: short protein forms N727K.
Identifiers: ClinVar variation 4185501 (VCV004185501.3).

ClinVar aggregate classification (germline): Uncertain significance. Review status: criteria provided, multiple submitters, no conflicts (2 of 4 stars). 3 submissions from 3 submitters: Uncertain significance (3). Last evaluated 2025-08-27.

Conditions:
TMC1-related disorder. Also called: TMC1-related condition; TMC1-related disorders.
Inborn genetic diseases. Identifiers: MedGen C0950123, MeSH D030342.

gnomAD v4.1: 13 of 1,613,742 alleles (0.00081%); highest among the groups gnomAD compares: African/African-American, 0.017%; 1 homozygote.

Submissions (3):

Labcorp Genetics (formerly Invitae), Labcorp
Classification: Uncertain significance. Last evaluated: 2025-08-27. Review status: criteria provided, single submitter. Criteria: Invitae Variant Classification Sherloc (09022015). Collection method: clinical testing. Allele origin: germline.
Comment: This sequence change replaces asparagine, which is neutral and polar, with lysine, which is basic and polar, at codon 727 of the TMC1 protein (p.Asn727Lys). This variant is present in population databases (rs532762720, gnomAD 0.003%). This variant has not been reported in the literature in individuals affected with TMC1-related conditions. Invitae Evidence Modeling of protein sequence and biophysical properties (such as structural, functional, and spatial information, amino acid conservation, physicochemical variation, residue mobility, and thermodynamic stability) has been performed for this missense variant. However, the output from this modeling did not meet the statistical confidence thresholds required to predict the impact of this variant on TMC1 protein function. In summary, the available evidence is currently insufficient to determine the role of this variant in disease. Therefore, it has been classified as a Variant of Uncertain Significance.

Ambry Genetics
Classification: Uncertain significance for Inborn genetic diseases. Last evaluated: 2025-08-09. Review status: criteria provided, single submitter. Criteria: Ambry Variant Classification Scheme 2023. Collection method: clinical testing. Allele origin: germline.

PreventionGenetics, part of Exact Sciences
Classification: Uncertain significance for TMC1-related condition. Last evaluated: 2025-01-17. Review status: criteria provided, single submitter. Criteria: ACMG Guidelines, 2015. Collection method: clinical testing. Allele origin: germline.
Comment: The TMC1 c.2181T>A variant is predicted to result in the amino acid substitution p.Asn727Lys. To our knowledge, this variant has not been reported in the literature. This variant is reported in 0.0029% of alleles in individuals of Latino descent in gnomAD. At this time, the clinical significance of this variant is uncertain due to the absence of conclusive functional and genetic evidence.